The following is an entry in ClinVar:

NM_012210.4(TRIM32):c.314G>A (p.Arg105Gln)

Genes: ASTN2 (astrotactin 2; minus strand), TRIM32 (tripartite motif containing 32; plus strand). Cytogenetic location: 9q33.1.
Variant type: single nucleotide variant.
Coding change: c.314G>A on transcript NM_012210.4 (MANE Select); coding-DNA position 314, G replaced by A.
Protein change: p.Arg105Gln; replaces arginine 105 with glutamine.
Molecular consequence: missense variant. On other transcripts: intron variant (3).
Genome position (GRCh38, 1-based): chr9:116,698,056, G>A. VCF-style: chr9-116698056-G-A. GRCh37 (hg19) VCF-style: chr9-119460335-G-A.
Other names: c.314G>A, p.Arg105Gln (NM_001379050.1, NM_001099679.2, NM_001379048.1 and 1 more transcripts); c.2653+27715C>T (NM_014010.5); c.2794+27715C>T (NM_001365069.1); c.2806+27715C>T (NM_001365068.1); short protein forms R105Q.
Identifiers: ClinVar variation 1003867 (VCV001003867.9), dbSNP rs949658602, ClinGen allele CA198769338.
Genomic context (GRCh38, chr9:116,698,056, plus strand): 5'-TCATTGATACAGCTGGGCTCAGCGAGGCTGTGGGGCTGCTCATGTGTCGGTCCTGTGGGC[G>A]GCGTCTGCCCCGGCAATTCTGCCGGAGCTGTGGTTTGGTGTTATGTGAGCCCTGCCGGGA-3'
Protein context (NP_036342.2, residues 95-115): VGLLMCRSCG[Arg105Gln]RLPRQFCRSC

ClinVar aggregate classification (germline): Uncertain significance. Review status: criteria provided, multiple submitters, no conflicts (2 of 4 stars). 3 submissions from 3 submitters: Uncertain significance (3). Last evaluated 2025-08-28.

Conditions:
Bardet-Biedl syndrome 11 (BBS11). Identifiers: Orphanet 110, MedGen C1859569, MONDO:0014439, OMIM 615988.
Sarcotubular myopathy (LGMDR8). Also called: Autosomal recessive limb-girdle muscular dystrophy type 2H; Hutterite type of muscular dystrophy; MUSCULAR DYSTROPHY, LIMB-GIRDLE, AUTOSOMAL RECESSIVE 8; Limb-girdle muscular dystrophy, type 2H. Identifiers: Orphanet 1878, MedGen C0270968, MONDO:0009683, OMIM 254110.
Bardet-Biedl syndrome (BBS). Identifiers: Orphanet 110, MedGen C0752166, MONDO:0015229.
TRIM32-related disorder. Also called: TRIM32-related condition.

Allele frequency attached by ClinVar (database versions not stated): gnomAD exomes below 0.00001 and 0.00001; gnomAD 0.00002; TOPMed 0.00003.
gnomAD v4.1: 17 of 1,613,858 alleles (0.0011%); highest among the groups gnomAD compares: African/African-American, 0.013%; no homozygotes.

Submissions (3):

PreventionGenetics, part of Exact Sciences
Classification: Uncertain significance for TRIM32-related condition. Last evaluated: 2025-08-28. Review status: criteria provided, single submitter. Criteria: ACMG Guidelines, 2015. Collection method: clinical testing. Allele origin: germline.
Comment: The TRIM32 c.314G>A variant is predicted to result in the amino acid substitution p.Arg105Gln. To our knowledge, this variant has not been reported in the literature. This variant is reported in 0.0062% of alleles in individuals of African descent in gnomAD. At this time, the clinical significance of this variant is uncertain due to the absence of conclusive functional and genetic evidence.

Labcorp Genetics (formerly Invitae), Labcorp
Classification: Uncertain significance for Bardet-Biedl syndrome. Last evaluated: 2025-05-25. Review status: criteria provided, single submitter. Criteria: Invitae Variant Classification Sherloc (09022015). Collection method: clinical testing. Allele origin: germline.
Comment: This sequence change replaces arginine, which is basic and polar, with glutamine, which is neutral and polar, at codon 105 of the TRIM32 protein (p.Arg105Gln). The frequency data for this variant in the population databases is considered unreliable, as metrics indicate poor data quality at this position in the gnomAD database. This variant has not been reported in the literature in individuals affected with TRIM32-related conditions. ClinVar contains an entry for this variant (Variation ID: 1003867). An algorithm developed to predict the effect of missense changes on protein structure and function (PolyPhen-2) suggests that this variant is likely to be tolerated. In summary, the available evidence is currently insufficient to determine the role of this variant in disease. Therefore, it has been classified as a Variant of Uncertain Significance.

Fulgent Genetics
Classification: Uncertain significance for Sarcotubular myopathy; Bardet-Biedl syndrome 11. Last evaluated: 2021-11-17. Review status: criteria provided, single submitter. Criteria: ACMG Guidelines, 2015. Collection method: clinical testing. Allele origin: unknown.